The following is an entry in ClinVar:

NM_020433.5(JPH2):c.532G>A (p.Asp178Asn)

Gene: JPH2 (junctophilin 2; minus strand). Cytogenetic location: 20q13.12.
Variant type: single nucleotide variant.
Coding change: c.532G>A on transcript NM_020433.5 (MANE Select); coding-DNA position 532, G replaced by A.
Protein change: p.Asp178Asn; replaces aspartic acid 178 with asparagine.
Molecular consequence: missense variant.
Genome position (GRCh38, 1-based): chr20:44,160,255, C>T on the plus strand (G>A on the coding strand, the complement: JPH2 is on the minus strand). VCF-style: chr20-44160255-C-T. GRCh37 (hg19) VCF-style: chr20-42788895-C-T.
Other names: short protein forms D178N.
Identifiers: ClinVar variation 649180 (VCV000649180.8), dbSNP rs1600858066, ClinGen allele CA409094195.

ClinVar aggregate classification (germline): Uncertain significance (1 of 4 stars; one submission).

Conditions:
Hypertrophic cardiomyopathy. Also called: HYPERTROPHIC MYOCARDIOPATHY. Identifiers: Orphanet 217569, MedGen C0007194, MeSH D002312, MONDO:0005045, HP:0001639.

Submission:

Labcorp Genetics (formerly Invitae), Labcorp
Classification: Uncertain significance for Hypertrophic cardiomyopathy. Last evaluated: 2018-09-14. Review status: criteria provided, single submitter. Criteria: Invitae Variant Classification Sherloc (09022015). Collection method: clinical testing. Allele origin: germline.
Comment: This sequence change replaces aspartic acid with asparagine at codon 178 of the JPH2 protein (p.Asp178Asn). The aspartic acid residue is weakly conserved and there is a small physicochemical difference between aspartic acid and asparagine. The frequency data for this variant in the population databases is considered unreliable, as metrics indicate insufficient coverage at this position in the ExAC database. This variant has not been reported in the literature in individuals with JPH2-related disease. Algorithms developed to predict the effect of missense changes on protein structure and function (SIFT, PolyPhen-2, Align-GVGD) all suggest that this variant is likely to be tolerated, but these predictions have not been confirmed by published functional studies and their clinical significance is uncertain. In summary, the available evidence is currently insufficient to determine the role of this variant in disease. Therefore, it has been classified as a Variant of Uncertain Significance.